The following is an entry in ClinVar:

ClinVar aggregate classification (germline): Uncertain significance. Review status: criteria provided, multiple submitters, no conflicts (2 of 4 stars). 2 submissions from 2 submitters: Uncertain significance (2). Last evaluated 2025-04-20.

Conditions:
Inborn genetic diseases. Identifiers: MedGen C0950123, MeSH D030342.
Epidermolysis bullosa simplex 5C, with pyloric atresia (EBS5C). Also called: PLEC1-Related Epidermolysis Bullosa with Pyloric Atresia; PLEC-Related Epidermolysis Bullosa with Pyloric Atresia; Epidermolysis bullosa simplex with pyloric atresia. Identifiers: Orphanet 158684, MedGen C2677349, MONDO:0012807, OMIM 612138.
Epidermolysis bullosa simplex with nail dystrophy (EBS5D). Identifiers: MedGen C4225309, MONDO:0014661, OMIM 616487.
Autosomal recessive limb-girdle muscular dystrophy type 2Q (LGMDR17). Also called: MUSCULAR DYSTROPHY, LIMB-GIRDLE, AUTOSOMAL RECESSIVE 17. Identifiers: Orphanet 254361, MedGen C3150989, MONDO:0013390, OMIM 613723.
Epidermolysis bullosa simplex 5B, with muscular dystrophy (EBS5B). Also called: Epidermolysis bullosa simplex with muscular dystrophy; EPIDERMOLYSIS BULLOSA SIMPLEX AND LIMB-GIRDLE MUSCULAR DYSTROPHY. Identifiers: Orphanet 257, MedGen C2931072, MONDO:0009181, OMIM 226670.
Epidermolysis bullosa simplex, Ogna type (EBS5A). Also called: Pidermolysis bullosa simplex 5A, Ogna type; EPIDERMOLYSIS BULLOSA SIMPLEX 5A, OGNA TYPE. Identifiers: Orphanet 79401, MedGen C0432317, MONDO:0007555, OMIM 131950.

Allele frequency attached by ClinVar (database versions not stated): TOPMed below 0.00001; gnomAD exomes 0.00001.
gnomAD v4.1: 4 of 1,570,910 alleles (0.00025%); highest among the groups gnomAD compares: East Asian, 0.0023%; no homozygotes.

Submissions (2):

Ambry Genetics
Classification: Uncertain significance for Inborn genetic diseases. Last evaluated: 2025-04-20. Review status: criteria provided, single submitter. Criteria: Ambry Variant Classification Scheme 2023. Collection method: clinical testing. Allele origin: germline.

Labcorp Genetics (formerly Invitae), Labcorp
Classification: Uncertain significance for Autosomal recessive limb-girdle muscular dystrophy type 2Q; Epidermolysis bullosa simplex, Ogna type; Epidermolysis bullosa simplex with nail dystrophy; Epidermolysis bullosa simplex 5C, with pyloric atresia; Epidermolysis bullosa simplex 5B, with muscular dystrophy. Last evaluated: 2022-09-01. Review status: criteria provided, single submitter. Criteria: Invitae Variant Classification Sherloc (09022015). Collection method: clinical testing. Allele origin: germline.
Comment: In summary, the available evidence is currently insufficient to determine the role of this variant in disease. Therefore, it has been classified as a Variant of Uncertain Significance. Algorithms developed to predict the effect of sequence changes on RNA splicing suggest that this variant may create or strengthen a splice site. Algorithms developed to predict the effect of missense changes on protein structure and function are either unavailable or do not agree on the potential impact of this missense change (SIFT: "Deleterious"; PolyPhen-2: "Not Available"; Align-GVGD: "Class C55"). ClinVar contains an entry for this variant (Variation ID: 575916). This variant has not been reported in the literature in individuals affected with PLEC-related conditions. The frequency data for this variant in the population databases is considered unreliable, as metrics indicate poor data quality at this position in the gnomAD database. This sequence change replaces alanine, which is neutral and non-polar, with valine, which is neutral and non-polar, at codon 1668 of the PLEC protein (p.Ala1668Val).

NM_201384.3(PLEC):c.4922C>T (p.Ala1641Val)

Gene: PLEC (plectin; minus strand). Cytogenetic location: 8q24.3.
Variant type: single nucleotide variant.
Coding change: c.4922C>T on transcript NM_201384.3 (MANE Select); coding-DNA position 4922, C replaced by T.
Protein change: p.Ala1641Val; replaces alanine 1641 with valine.
Molecular consequence: missense variant.
Genome position (GRCh38, 1-based): chr8:143,925,007, G>A on the plus strand (C>T on the coding strand, the complement: PLEC is on the minus strand). VCF-style: chr8-143925007-G-A. GRCh37 (hg19) VCF-style: chr8-144999175-G-A.
Other names: c.5003C>T, p.Ala1668Val (NM_000445.5); c.4880C>T, p.Ala1627Val (NM_201378.4); c.4856C>T, p.Ala1619Val (NM_201379.3); c.5333C>T, p.Ala1778Val (NM_201380.4); c.4826C>T, p.Ala1609Val (NM_201381.3); c.4922C>T, p.Ala1641Val (NM_201382.4); c.4934C>T, p.Ala1645Val (NM_201383.3); c.5003C>T (NM_000445.3); short protein forms A1609V, A1627V, A1645V, A1619V, A1641V, A1668V, A1778V.
Identifiers: ClinVar variation 575916 (VCV000575916.8), dbSNP rs1554700268, ClinGen allele CA372551590.